The following is an entry in ClinVar:

ClinVar aggregate classification (germline): Benign/Likely benign. Review status: criteria provided, multiple submitters, no conflicts (2 of 4 stars). 21 submissions from 20 submitters: Benign (11); Likely benign (4). 6 of the submissions do not count toward it. Last evaluated 2026-09-01.

Conditions:
Cardiovascular phenotype. Identifiers: MedGen CN230736.
Cardiomyopathy (CMYO). Also called: Cardiomyopathies. Identifiers: Orphanet 167848, MedGen C0878544, MONDO:0004994, HP:0001638. Inheritance: Various modes of inheritance.
Catecholaminergic polymorphic ventricular tachycardia 1. Also called: RYR2-Related Catecholaminergic Polymorphic Ventricular Tachycardia; VENTRICULAR TACHYCARDIA, STRESS-INDUCED POLYMORPHIC 1; VENTRICULAR TACHYCARDIA, CATECHOLAMINERGIC POLYMORPHIC, 1, WITH OR WITHOUT ATRIAL DYSFUNCTION AND/OR DILATED CARDIOMYOPATHY. Identifiers: Orphanet 3286, MedGen C1631597, MONDO:0011484, OMIM 604772.
Arrhythmogenic right ventricular dysplasia 2. Identifiers: MedGen C1832931.
Catecholaminergic polymorphic ventricular tachycardia (CVPT). Also called: Catecholamine-induced polymorphic ventricular tachycardia. Identifiers: Orphanet 3286, MedGen C5574922, MONDO:0017990.

Allele frequency attached by ClinVar (database versions not stated): TOPMed 0.00734; ExAC 0.01028; gnomAD exomes 0.01124 and 0.00959; gnomAD 0.00895 and 0.00944; 1000 Genomes Project 0.00459; ESP Exome Variant Server 0.00876; 1000 Genomes Project 30x 0.00390.
gnomAD v4.1: 17,528 of 1,589,644 alleles (1.1%); highest among the groups gnomAD compares: Non-Finnish European, 1.2%; 136 homozygotes.

Submissions (30):

CeGaT Center for Human Genetics Tuebingen
Classification: Benign. Last evaluated: 2026-09-01. Review status: criteria provided, single submitter. Criteria: CeGaT Center For Human Genetics Tuebingen Variant Classification Criteria Version 2. Collection method: clinical testing. Allele origin: germline. Affected: yes. Observed: 44 variant alleles.
Comment: RYR2: BP4, BS1, BS2

Labcorp Genetics (formerly Invitae), Labcorp
Classification: Benign for Catecholaminergic polymorphic ventricular tachycardia 1. Last evaluated: 2026-02-03. Review status: criteria provided, single submitter. Criteria: Invitae Variant Classification Sherloc (09022015). Collection method: clinical testing. Allele origin: germline.

ARUP Laboratories, Molecular Genetics and Genomics, ARUP Laboratories
Classification: Benign. Last evaluated: 2025-06-11. Review status: criteria provided, single submitter. Criteria: ARUP Molecular Germline Variant Investigation Process 2024. Collection method: clinical testing. Allele origin: germline.

Molecular Diagnostic Laboratory for Inherited Cardiovascular Disease, Montreal Heart Institute
Classification: Benign. Last evaluated: 2025-04-09. Review status: criteria provided, single submitter. Criteria: ACMG Guidelines, 2015. Collection method: clinical testing. Allele origin: germline. Affected: no.

Blueprint Genetics
Classification: Likely benign. Last evaluated: 2024-11-26. Review status: criteria provided, single submitter. Criteria: ACMG Guidelines, 2015. Collection method: clinical testing. Allele origin: germline.

All of Us Research Program, National Institutes of Health
Classification: Benign for Catecholaminergic polymorphic ventricular tachycardia. Last evaluated: 2024-02-05. Review status: criteria provided, single submitter. Criteria: ACMG Guidelines, 2015. Collection method: clinical testing. Allele origin: germline. Inheritance: Autosomal dominant inheritance. Observed: 2,137 variant alleles, 2,127 heterozygotes, 10 homozygotes.
Comment: This study involves interpretation of variants in research participants for the purpose of population health screening. Participant phenotype was not available at the time of variant classification. Additional details can be found in publication PMID: 35346344, PMCID: PMC8962531

Mayo Clinic Laboratories, Mayo Clinic
Classification: Benign. Last evaluated: 2023-12-21. Review status: criteria provided, single submitter. Criteria: ACMG Guidelines, 2015. Collection method: clinical testing. Allele origin: germline. Observed: 19 variant alleles.
Comment: BA1, BS2, BP4, BP7

Color Diagnostics, LLC DBA Color Health
Classification: Benign for Cardiomyopathy. Last evaluated: 2018-03-09. Review status: criteria provided, single submitter. Criteria: ACMG Guidelines, 2015. Collection method: clinical testing. Allele origin: germline.

Illumina Laboratory Services, Illumina
Classification: Likely benign for Catecholaminergic polymorphic ventricular tachycardia 1. Last evaluated: 2018-01-13. Review status: criteria provided, single submitter. Criteria: ICSL Variant Classification Criteria 13 December 2019. Collection method: clinical testing. Allele origin: germline.
Comment: This variant was observed in the ICSL laboratory as part of a predisposition screen in an ostensibly healthy population. It had not been previously curated by ICSL or reported in the Human Gene Mutation Database (HGMD: prior to June 1st, 2018), and was therefore a candidate for classification through an automated scoring system. Utilizing variant allele frequency, disease prevalence and penetrance estimates, and inheritance mode, an automated score was calculated to assess if this variant is too frequent to cause the disease. Based on the score and internal cut-off values, a variant classified as likely benign is not then subjected to further curation. The score for this variant resulted in a classification of likely benign for this disease.

Illumina Laboratory Services, Illumina
Classification: Benign for Catecholaminergic polymorphic ventricular tachycardia 1. Last evaluated: 2018-01-13. Review status: criteria provided, single submitter. Criteria: ICSL Variant Classification Criteria 13 December 2019. Collection method: clinical testing. Allele origin: germline.
Comment: This variant was observed in the ICSL laboratory as part of a predisposition screen in an ostensibly healthy population. It had not been previously curated by ICSL or reported in the Human Gene Mutation Database (HGMD: prior to June 1st, 2018), and was therefore a candidate for classification through an automated scoring system. Utilizing variant allele frequency, disease prevalence and penetrance estimates, and inheritance mode, an automated score was calculated to assess if this variant is too frequent to cause the disease. Based on the score and internal cut-off values, a variant classified as benign is not then subjected to further curation. The score for this variant resulted in a classification of benign for this disease.

CHEO Genetics Diagnostic Laboratory, Children's Hospital of Eastern Ontario
Classification: Likely benign for Cardiomyopathy. Last evaluated: 2017-07-17. Review status: criteria provided, single submitter. Criteria: ACMG Guidelines, 2015. Collection method: clinical testing. Allele origin: germline. Study: Canadian Open Genetics Repository.

GeneDx
Classification: Benign. Last evaluated: 2015-03-03. Review status: criteria provided, single submitter. Criteria: GeneDx Variant Classification Process June 2021. Collection method: clinical testing. Allele origin: germline. Affected: yes.

Ambry Genetics
Classification: Benign for Cardiovascular phenotype. Last evaluated: 2014-12-08. Review status: criteria provided, single submitter. Criteria: Ambry Variant Classification Scheme 2023. Collection method: clinical testing. Allele origin: germline.

Laboratory for Molecular Medicine, Mass General Brigham Personalized Medicine
Classification: Benign. Last evaluated: 2012-04-03. Review status: criteria provided, single submitter. Criteria: LMM Criteria. Collection method: clinical testing. Allele origin: germline. Observed: 35 variant alleles.
Comment: 2204-7C>G in intron 20 of RYR2: This variant is not expected to have clinical si gnificance because it is not located within the splice consensus sequence and ha s been identified in 1.2% (78/6636) of European American chromosomes and 3/3058 African American chromosomes from a broad, though clinically unspecified populat ion (dbSNP rs147479514, NHLBI Exome Sequencing Project .edu/EVS). 2204-7C>G in intron 20 of RYR2 (rs147479514, NHLBI Exome Seq Project ; 1.2%,78/6636)

Breakthrough Genomics
Classification: Likely benign. Review status: criteria provided, single submitter. Criteria: ACMG Guidelines, 2015. Collection method: not provided. Allele origin: germline. Inheritance: Autosomal dominant inheritance. Affected: yes.

Women's Health and Genetics/Laboratory Corporation of America, LabCorp
Classification: Benign for Cardiomyopathy. Last evaluated: 2013-02-15. Review status: no assertion criteria provided. Collection method: clinical testing. Allele origin: germline. Not counted in ClinVar's aggregate classification.

Clinical Genetics, Academic Medical Center
Classification: Benign. Review status: no assertion criteria provided. Collection method: clinical testing. Allele origin: germline. Affected: yes. Study: VKGL Data-share Consensus. Not counted in ClinVar's aggregate classification.

Diagnostic Laboratory, Department of Genetics, University Medical Center Groningen
Classification: Likely benign. Review status: no assertion criteria provided. Collection method: clinical testing. Allele origin: germline. Affected: yes. Study: VKGL Data-share Consensus. Not counted in ClinVar's aggregate classification.

Dr. Peter K. Rogan Lab, Western University
No classification provided (evidence only). Condition: Lung cancer. Review status: no classification provided. Collection method: in vitro. Allele origin: not applicable. Functional consequence: retained intron. Not counted in ClinVar's aggregate classification.

Dr. Peter K. Rogan Lab, Western University
No classification provided (evidence only). Condition: Familial cancer of breast. Review status: no classification provided. Collection method: in vitro. Allele origin: not applicable. Functional consequence: retained intron. Not counted in ClinVar's aggregate classification.

Dr. Peter K. Rogan Lab, Western University
No classification provided (evidence only). Condition: Uterine corpus endometrial carcinoma. Review status: no classification provided. Collection method: in vitro. Allele origin: not applicable. Functional consequence: retained intron. Not counted in ClinVar's aggregate classification.

Dr. Peter K. Rogan Lab, Western University
No classification provided (evidence only). Condition: Thymoma. Review status: no classification provided. Collection method: in vitro. Allele origin: not applicable. Functional consequence: retained intron. Not counted in ClinVar's aggregate classification.

Dr. Peter K. Rogan Lab, Western University
No classification provided (evidence only). Condition: Ovarian serous cystadenocarcinoma. Review status: no classification provided. Collection method: in vitro. Allele origin: not applicable. Functional consequence: retained intron. Not counted in ClinVar's aggregate classification.

Dr. Peter K. Rogan Lab, Western University
No classification provided (evidence only). Condition: Ovarian serous cystadenocarcinoma. Review status: no classification provided. Collection method: in vitro. Allele origin: not applicable. Functional consequence: retained intron. Not counted in ClinVar's aggregate classification.

Dr. Peter K. Rogan Lab, Western University
No classification provided (evidence only). Condition: Gastric cancer. Review status: no classification provided. Collection method: in vitro. Allele origin: not applicable. Functional consequence: retained intron. Not counted in ClinVar's aggregate classification.

Dr. Peter K. Rogan Lab, Western University
No classification provided (evidence only). Condition: Gastric cancer. Review status: no classification provided. Collection method: in vitro. Allele origin: not applicable. Functional consequence: retained intron. Not counted in ClinVar's aggregate classification.

Dr. Peter K. Rogan Lab, Western University
No classification provided (evidence only). Condition: Gastric cancer. Review status: no classification provided. Collection method: in vitro. Allele origin: not applicable. Functional consequence: retained intron. Not counted in ClinVar's aggregate classification.

Genome Diagnostics Laboratory, University Medical Center Utrecht
Classification: Benign. Review status: no assertion criteria provided. Collection method: clinical testing. Allele origin: germline. Affected: yes. Study: VKGL Data-share Consensus. Not counted in ClinVar's aggregate classification.

Joint Genome Diagnostic Labs from Nijmegen and Maastricht, Radboudumc and MUMC+
Classification: Benign. Review status: no assertion criteria provided. Collection method: clinical testing. Allele origin: germline. Affected: yes. Study: VKGL Data-share Consensus. Not counted in ClinVar's aggregate classification.

Laboratory of Diagnostic Genome Analysis, Leiden University Medical Center (LUMC)
Classification: Likely benign. Review status: no assertion criteria provided. Collection method: clinical testing. Allele origin: germline. Affected: yes. Study: VKGL Data-share Consensus. Not counted in ClinVar's aggregate classification.

NM_001035.3(RYR2):c.2204-7C>G

Gene: RYR2 (ryanodine receptor 2; plus strand). Cytogenetic location: 1q43.
Variant type: single nucleotide variant.
Coding change: c.2204-7C>G on transcript NM_001035.3 (MANE Select); 7 bases into the intron before coding-DNA position 2204, C replaced by G.
Molecular consequence: intron variant.
Genome position (GRCh38, 1-based): chr1:237,500,704, C>G. VCF-style: chr1-237500704-C-G. GRCh37 (hg19) VCF-style: chr1-237664004-C-G.
Other names: p.?.
Identifiers: ClinVar variation 36738 (VCV000036738.81), dbSNP rs147479514, ClinGen allele CA008723.